The following is an entry in ClinVar:

ClinVar aggregate classification (germline): Pathogenic (1 of 4 stars; one submission).

Conditions:
Cardiovascular phenotype. Identifiers: MedGen CN230736.
Hereditary cancer-predisposing syndrome. Also called: Neoplastic Syndromes, Hereditary; Tumor predisposition; Hereditary Cancer Syndrome; Hereditary neoplastic syndrome. Identifiers: Orphanet 140162, MedGen C0027672, MeSH D009386, MONDO:0015356.

Allele frequency attached by ClinVar (database versions not stated): gnomAD exomes below 0.00001.
gnomAD v4.1: 1 of 1,597,830 alleles (0.000063%); highest among the groups gnomAD compares: South Asian, 0.0011%; no homozygotes.

Submission:

Ambry Genetics
Classification: Pathogenic for Cardiovascular phenotype; Hereditary cancer-predisposing syndrome. Last evaluated: 2021-11-24. Review status: criteria provided, single submitter. Criteria: Ambry Variant Classification Scheme 2023. Collection method: clinical testing. Allele origin: germline.
Comment: The p.K538* pathogenic mutation (also known as c.1612A>T), located in coding exon 14 of the LZTR1 gene, results from an A to T substitution at nucleotide position 1612. This changes the amino acid from a lysine to a stop codon within coding exon 14. This alteration is expected to result in loss of function by premature protein truncation or nonsense-mediated mRNA decay. Loss-of-function variants in LZTR1 are related to an increased risk for schwannomas and autosomal recessive Noonan syndrome; however, such associations with autosomal dominant Noonan syndrome have not been observed (Piotrowski A et al. Nat Genet. 2014 Feb;46:182-7; Yamamoto GL et al. J Med Genet. 2015 Jun;52:413-21; Johnston JJ et al. Genet Med. 2018 10;20:1175-1185). Based on the supporting evidence, this variant is pathogenic for an increased risk of LZTR1-related schwannomatosis (SWN) and would be expected to cause autosomal recessive Noonan syndrome when present along with a second pathogenic or likely pathogenic variant on the other allele; however, the association of this alteration with autosomal dominant Noonan syndrome is unlikely.

NM_006767.4(LZTR1):c.1612A>T (p.Lys538Ter)

Gene: LZTR1 (leucine zipper like post translational regulator 1; plus strand). Cytogenetic location: 22q11.21.
Variant type: single nucleotide variant.
Coding change: c.1612A>T on transcript NM_006767.4 (MANE Select); coding-DNA position 1612, A replaced by T.
Protein change: p.Lys538Ter; replaces lysine 538 with a stop codon.
Molecular consequence: nonsense.
Genome position (GRCh38, 1-based): chr22:20,994,266, A>T. VCF-style: chr22-20994266-A-T. GRCh37 (hg19) VCF-style: chr22-21348555-A-T.
Other names: short protein forms K538*.
Identifiers: ClinVar variation 1776415 (VCV001776415.2), dbSNP rs1472642577, ClinGen allele CA410776269.